The following is an entry in ClinVar:

ClinVar aggregate classification (germline): Uncertain significance (1 of 4 stars; one submission).

Conditions:
Muscular dystrophy-dystroglycanopathy type B6 (MDDGB6). Also called: MUSCULAR DYSTROPHY, CONGENITAL, LARGE-RELATED; MUSCULAR DYSTROPHY, CONGENITAL, TYPE 1D; MUSCULAR DYSTROPHY-DYSTROGLYCANOPATHY (CONGENITAL WITH IMPAIRED INTELLECTUAL DEVELOPMENT), TYPE B, 6. Identifiers: MedGen C1837229, MONDO:0012138, OMIM 608840.

Allele frequency attached by ClinVar (database versions not stated): gnomAD exomes below 0.00001; ExAC 0.00001.

Submission:

Labcorp Genetics (formerly Invitae), Labcorp
Classification: Uncertain significance for Muscular dystrophy-dystroglycanopathy type B6. Last evaluated: 2022-07-18. Review status: criteria provided, single submitter. Criteria: Invitae Variant Classification Sherloc (09022015). Collection method: clinical testing. Allele origin: germline.
Comment: This variant has not been reported in the literature in individuals affected with LARGE1-related conditions. This variant is not present in population databases (gnomAD no frequency). This sequence change replaces asparagine, which is neutral and polar, with serine, which is neutral and polar, at codon 148 of the LARGE1 protein (p.Asn148Ser). Algorithms developed to predict the effect of missense changes on protein structure and function are either unavailable or do not agree on the potential impact of this missense change (SIFT: "Tolerated"; PolyPhen-2: "Probably Damaging"; Align-GVGD: "Class C0"). Algorithms developed to predict the effect of sequence changes on RNA splicing suggest that this variant may create or strengthen a splice site. In summary, the available evidence is currently insufficient to determine the role of this variant in disease. Therefore, it has been classified as a Variant of Uncertain Significance.

NM_133642.5(LARGE1):c.443A>G (p.Asn148Ser)

Gene: LARGE1 (LARGE xylosyl- and glucuronyltransferase 1; minus strand). Cytogenetic location: 22q12.3.
Variant type: single nucleotide variant.
Coding change: c.443A>G on transcript NM_133642.5 (MANE Select); coding-DNA position 443, A replaced by G.
Protein change: p.Asn148Ser; replaces asparagine 148 with serine.
Molecular consequence: missense variant.
Genome position (GRCh38, 1-based): chr22:33,626,292, T>C on the plus strand (A>G on the coding strand, the complement: LARGE1 is on the minus strand). VCF-style: chr22-33626292-T-C. GRCh37 (hg19) VCF-style: chr22-34022276-T-C.
Other names: c.443A>G, p.Asn148Ser (NM_001362949.2, NM_001362951.2, NM_001362953.2 and 7 more transcripts); short protein forms N148S.
Identifiers: ClinVar variation 1898547 (VCV001898547.5), dbSNP rs766104862, ClinGen allele CA10203042.